The following is an entry in ClinVar:

ClinVar aggregate classification (germline): Pathogenic (1 of 4 stars; one submission).

Submission:

ISCA site 15
Classification: Pathogenic. Last evaluated: 2011-08-12. Review status: criteria provided, single submitter. Criteria: Kaminsky et al. (Genet Med. 2011). Collection method: clinical testing. Allele origin: de novo. Affected: yes. Observed: 1 variant allele.
Comment: Copy number variation identified through the course of routine clinical cytogenomic testing in postnatal populations. Clinical assertions have been curated as described in Kaminsky et al. 2011.

GRCh38/hg38 Xp22.31-22.2(chrX:9540020-13128124)x1

Genes: AMELX (amelogenin X-linked; plus strand), ARHGAP6 (Rho GTPase activating protein 6; minus strand), CLCN4 (Cl-/H+ antiporter 4; plus strand), CLDN34 (claudin 34; plus strand), FAM9C (family with sequence similarity 9 member C; minus strand) and 80 more. Cytogenetic location: Xp22.31-22.2.
Variant type: copy number loss.
Change: copy number 1 of chrX:9,540,020-13,128,124 (3.59 Mb, GRCh38 coordinates, 1-based), cytogenetic band Xp22.31-22.2.
Identifiers: ClinVar variation 59236 (VCV000059236.1).